The following is an entry in ClinVar:

ClinVar aggregate classification (germline): Uncertain significance (1 of 4 stars; one submission).

Conditions:
Early-infantile DEE. Also called: Early infantile epileptic encephalopathy; Ohtahara syndrome; Early infantile epileptic encephalopathy with suppression bursts. Identifiers: Orphanet 1934, MedGen C0393706, MONDO:0800491.

Submission:

Labcorp Genetics (formerly Invitae), Labcorp
Classification: Uncertain significance for Early-infantile DEE. Last evaluated: 2022-04-17. Review status: criteria provided, single submitter. Criteria: Invitae Variant Classification Sherloc (09022015). Collection method: clinical testing. Allele origin: germline.
Comment: This variant is not present in population databases (gnomAD no frequency). This sequence change falls in intron 20 of the SCN1A gene. It does not directly change the encoded amino acid sequence of the SCN1A protein. This variant has been observed in individual(s) with clinical features of SCN1A-related conditions (Invitae). In summary, the available evidence is currently insufficient to determine the role of this variant in disease. Therefore, it has been classified as a Variant of Uncertain Significance. Algorithms developed to predict the effect of sequence changes on RNA splicing suggest that this variant may create or strengthen a splice site.

NM_001165963.4(SCN1A):c.4002+2471C>G

Genes: SCN1A (sodium voltage-gated channel alpha subunit 1; minus strand), LOC102724058 (uncharacterized LOC102724058; plus strand). Cytogenetic location: 2q24.3.
Variant type: single nucleotide variant.
Coding change: c.4002+2471C>G on transcript NM_001165963.4 (MANE Select); 2471 bases into the intron after coding-DNA position 4002, C replaced by G.
Molecular consequence: intron variant. On other transcripts: non-coding transcript variant (1).
Genome position (GRCh38, 1-based): chr2:166,007,248, G>C on the plus strand (C>G on the coding strand, the complement: SCN1A is on the minus strand). VCF-style: chr2-166007248-G-C. GRCh37 (hg19) VCF-style: chr2-166863758-G-C.
Other names: c.3969+2471C>G (NM_001353949.2, NM_001353950.2, NM_001353951.2 and 2 more transcripts); c.3918+2471C>G (NM_001353958.2, NM_001353957.2, NM_001165964.3); c.4002+2471C>G (NM_001202435.3, NM_001353948.2); c.3966+2471C>G (NM_001353955.2, NM_001353954.2); c.3915+2471C>G (NM_001353960.2); c.1560+2471C>G (NM_001353961.2).
Identifiers: ClinVar variation 2118256 (VCV002118256.4), dbSNP rs2468471279, ClinGen allele CA2580064266.